The following is an entry in ClinVar:

NM_001395413.1(POR):c.207T>G (p.Phe69Leu)

Gene: POR (cytochrome p450 oxidoreductase; plus strand). Cytogenetic location: 7q11.23.
Variant type: single nucleotide variant.
Coding change: c.207T>G on transcript NM_001395413.1 (MANE Select); coding-DNA position 207, T replaced by G.
Protein change: p.Phe69Leu; replaces phenylalanine 69 with leucine.
Molecular consequence: missense variant.
Genome position (GRCh38, 1-based): chr7:75,972,440, T>G. VCF-style: chr7-75972440-T-G. GRCh37 (hg19) VCF-style: chr7-75601758-T-G.
Other names: c.216T>G, p.Phe72Leu (NM_000941.2, NM_000941.3); c.207T>G, p.Phe69Leu (NM_001367562.3, NM_001382657.2, NM_001382658.3 and 2 more transcripts); c.261T>G, p.Phe87Leu (NM_001382655.3); short protein forms F87L, F69L, F72L.
Identifiers: ClinVar variation 2040336 (VCV002040336.1), dbSNP rs1554556319, ClinGen allele CA367747179.

ClinVar aggregate classification (germline): Uncertain significance (1 of 4 stars; one submission).

Conditions:
Congenital adrenal hyperplasia due to cytochrome P450 oxidoreductase deficiency. Also called: DISORDERED STEROIDOGENESIS DUE TO POR DEFICIENCY. Identifiers: Orphanet 95699, MedGen C1860042, MONDO:0013310, OMIM 613571.

Allele frequency attached by ClinVar (database versions not stated): gnomAD exomes below 0.00001.
gnomAD v4.1: 1 of 1,609,762 alleles (0.000062%); highest among the groups gnomAD compares: East Asian, 0.0022%; no homozygotes.

Submission:

Labcorp Genetics (formerly Invitae), Labcorp
Classification: Uncertain significance for Congenital adrenal hyperplasia due to cytochrome P450 oxidoreductase deficiency. Last evaluated: 2021-12-12. Review status: criteria provided, single submitter. Criteria: Invitae Variant Classification Sherloc (09022015). Collection method: clinical testing. Allele origin: germline.
Comment: This sequence change replaces phenylalanine, which is neutral and non-polar, with leucine, which is neutral and non-polar, at codon 72 of the POR protein (p.Phe72Leu). The frequency data for this variant in the population databases is considered unreliable, as metrics indicate poor data quality at this position in the gnomAD database. This variant has not been reported in the literature in individuals affected with POR-related conditions. Algorithms developed to predict the effect of missense changes on protein structure and function are either unavailable or do not agree on the potential impact of this missense change (SIFT: "Deleterious"; PolyPhen-2: "Benign"; Align-GVGD: "Class C15"). In summary, the available evidence is currently insufficient to determine the role of this variant in disease. Therefore, it has been classified as a Variant of Uncertain Significance.